The following is an entry in ClinVar:

ClinVar aggregate classification (germline): Uncertain significance (1 of 4 stars; one submission).

Allele frequency attached by ClinVar (database versions not stated): gnomAD exomes below 0.00001; ExAC 0.00001; gnomAD 0.00001; TOPMed 0.00001; ESP Exome Variant Server 0.00008.
gnomAD v4.1: 6 of 1,613,676 alleles (0.00037%); highest among the groups gnomAD compares: Non-Finnish European, 0.00051%; no homozygotes.

Submission:

Labcorp Genetics (formerly Invitae), Labcorp
Classification: Uncertain significance. Last evaluated: 2021-12-18. Review status: criteria provided, single submitter. Criteria: Invitae Variant Classification Sherloc (09022015). Collection method: clinical testing. Allele origin: germline.
Comment: This sequence change replaces serine, which is neutral and polar, with phenylalanine, which is neutral and non-polar, at codon 1499 of the RIMS1 protein (p.Ser1499Phe). This variant is present in population databases (rs371702564, gnomAD 0.002%). This variant has not been reported in the literature in individuals affected with RIMS1-related conditions. Algorithms developed to predict the effect of missense changes on protein structure and function are either unavailable or do not agree on the potential impact of this missense change (SIFT: "Deleterious"; PolyPhen-2: "Probably Damaging"; Align-GVGD: "Class C15"). In summary, the available evidence is currently insufficient to determine the role of this variant in disease. Therefore, it has been classified as a Variant of Uncertain Significance.

NM_014989.7(RIMS1):c.4496C>T (p.Ser1499Phe)

Genes: RIMS1 (regulating synaptic membrane exocytosis 1; plus strand), LOC129389554 (MPRA-validated peak5890 silencer; plus strand). Cytogenetic location: 6q13.
Variant type: single nucleotide variant.
Coding change: c.4496C>T on transcript NM_014989.7 (MANE Select); coding-DNA position 4496, C replaced by T.
Protein change: p.Ser1499Phe; replaces serine 1499 with phenylalanine.
Molecular consequence: missense variant.
Genome position (GRCh38, 1-based): chr6:72,390,727, C>T. VCF-style: chr6-72390727-C-T. GRCh37 (hg19) VCF-style: chr6-73100429-C-T.
Other names: c.2456C>T, p.Ser819Phe (NM_001168407.2); c.1871C>T, p.Ser624Phe (NM_001168408.2, NM_001350430.2); c.1700C>T, p.Ser567Phe (NM_001168409.2); c.1898C>T, p.Ser633Phe (NM_001168410.2); c.77C>T, p.Ser26Phe (NM_001168411.2); c.2417C>T, p.Ser806Phe (NM_001350414.2); c.2513C>T, p.Ser838Phe (NM_001350415.2); c.2462C>T, p.Ser821Phe (NM_001350416.2); and 54 more; short protein forms S26F, S593F, S600F, S609F, S623F, S633F, S673F, S714F.
Identifiers: ClinVar variation 1948903 (VCV001948903.5), dbSNP rs371702564, ClinGen allele CA3886520.